The following is an entry in ClinVar:

NM_000179.3(MSH6):c.1561A>G (p.Thr521Ala)

Gene: MSH6 (mutS homolog 6; plus strand). Cytogenetic location: 2p16.3.
Variant type: single nucleotide variant.
Coding change: c.1561A>G on transcript NM_000179.3 (MANE Select); coding-DNA position 1561, A replaced by G.
Protein change: p.Thr521Ala; replaces threonine 521 with alanine.
Molecular consequence: missense variant. On other transcripts: non-coding transcript variant (4), intron variant (1).
Genome position (GRCh38, 1-based): chr2:47,799,544, A>G. VCF-style: chr2-47799544-A-G. GRCh37 (hg19) VCF-style: chr2-48026683-A-G.
Other names: c.1171A>G, p.Thr391Ala (NM_001281492.2); c.655A>G, p.Thr219Ala (NM_001281493.2, NM_001281494.2, NM_001406811.1 and 6 more transcripts); c.1657A>G, p.Thr553Ala (NM_001406795.1, NM_001406802.1); c.1561A>G, p.Thr521Ala (NM_001406796.1, NM_001406798.1, NM_001406800.1 and 4 more transcripts); c.1264A>G, p.Thr422Ala (NM_001406797.1, NM_001406801.1, NM_001406805.1 and 10 more transcripts); c.1036A>G, p.Thr346Ala (NM_001406799.1, NM_001406806.1, NM_001406807.1); c.1483A>G, p.Thr495Ala (NM_001406804.1); c.1567A>G, p.Thr523Ala (NM_001406813.1); and 2 more; short protein forms T219A, T346A, T391A, T422A, T465A, T495A, T521A, T523A.
Identifiers: ClinVar variation 4800199 (VCV004800199.1).

ClinVar aggregate classification (germline): Uncertain significance (1 of 4 stars; one submission).

Conditions:
Hereditary nonpolyposis colorectal neoplasms. Identifiers: MedGen C0009405, MeSH D003123.

Submission:

Labcorp Genetics (formerly Invitae), Labcorp
Classification: Uncertain significance for Hereditary nonpolyposis colorectal neoplasms. Last evaluated: 2026-01-19. Review status: criteria provided, single submitter. Criteria: Invitae Variant Classification Sherloc (09022015). Collection method: clinical testing. Allele origin: germline.
Comment: This sequence change replaces threonine, which is neutral and polar, with alanine, which is neutral and non-polar, at codon 521 of the MSH6 protein (p.Thr521Ala). This variant is not present in population databases (gnomAD no frequency). This variant has not been reported in the literature in individuals affected with MSH6-related conditions. Invitae Evidence Modeling of protein sequence and biophysical properties (such as structural, functional, and spatial information, amino acid conservation, physicochemical variation, residue mobility, and thermodynamic stability) has been performed for this missense variant. However, the output from this modeling did not meet the statistical confidence thresholds required to predict the impact of this variant on MSH6 protein function. In summary, the available evidence is currently insufficient to determine the role of this variant in disease. Therefore, it has been classified as a Variant of Uncertain Significance.